The following is an entry in ClinVar:

ClinVar aggregate classification (germline): Likely pathogenic (1 of 4 stars; one submission).

Conditions:
Intellectual developmental disorder, X-linked, syndromic, Claes-Jensen type. Also called: Syndromic X-linked intellectual disability Claes-Jensen type; INTELLECTUAL DEVELOPMENTAL DISORDER, X-LINKED, SYNDROMIC 16; MENTAL RETARDATION, X-LINKED, SYNDROMIC 16. Identifiers: Orphanet 85279, MedGen C1845243, MONDO:0010355, OMIM 300534.

Submission:

3billion
Classification: Likely pathogenic for Intellectual developmental disorder, X-linked, syndromic, Claes-Jensen type. Last evaluated: 2025-09-17. Review status: criteria provided, single submitter. Criteria: ACMG Guidelines, 2015. Collection method: clinical testing. Allele origin: germline. Affected: yes.
Comment: The variant is not observed in the gnomAD v4.1.0 dataset. Predicted Consequence/Location: Frameshift: predicted to result in a loss or disruption of normal protein function through nonsense-mediated decay (NMD) or protein truncation. Multiple pathogenic variants are reported downstream of the variant. Therefore, this variant is classified as Likely pathogenic according to the recommendation of ACMG/AMP guideline.

NM_004187.5(KDM5C):c.218dup (p.Asn73fs)

Gene: KDM5C (lysine demethylase 5C; minus strand). Cytogenetic location: Xp11.22.
Variant type: Duplication.
Coding change: c.218dup on transcript NM_004187.5 (MANE Select); coding-DNA position 218, one base duplicated (A; older notation c.218dupA).
Protein change: p.Asn73fs; shifts the reading frame from asparagine 73.
Molecular consequence: frameshift variant. On other transcripts: non-coding transcript variant (3), intron variant (1).
Genome position (GRCh38, 1-based): chrX:53,220,849, T duplicated on the plus strand (A on the coding strand, the reverse complement: KDM5C is on the minus strand); the first of 2 consecutive T bases (chrX:53,220,849-53,220,850); duplicating either gives the same sequence. VCF-style (leftmost placement, unchanged base first): chrX-53220848-A-AT. GRCh37 (hg19) VCF-style: chrX-53250030-A-AT.
Other names: c.218dup, p.Asn73fs (NM_001282622.3, NM_001353978.3, NM_001353979.2 and 3 more transcripts); c.151-2883dup (NM_001146702.2); short protein forms N73fs.
Identifiers: ClinVar variation 4853942 (VCV004853942.1).